The following is an entry in ClinVar:

NM_001378454.1(ALMS1):c.6221T>G (p.Ile2074Ser)

Gene: ALMS1 (ALMS1 centrosome and basal body associated protein; plus strand). Cytogenetic location: 2p13.1.
Variant type: single nucleotide variant.
Coding change: c.6221T>G on transcript NM_001378454.1 (MANE Select); coding-DNA position 6221, T replaced by G.
Protein change: p.Ile2074Ser; replaces isoleucine 2074 with serine.
Molecular consequence: missense variant.
Genome position (GRCh38, 1-based): chr2:73,452,748, T>G. VCF-style: chr2-73452748-T-G. GRCh37 (hg19) VCF-style: chr2-73679875-T-G.
Other names: c.6224T>G, p.Ile2075Ser (NM_015120.4); short protein forms I2074S, I2075S.
Identifiers: ClinVar variation 1957038 (VCV001957038.2), dbSNP rs920237759, ClinGen allele CA50397629.

ClinVar aggregate classification (germline): Uncertain significance (1 of 4 stars; one submission).

Conditions:
Alstrom syndrome (ALMS). Identifiers: Orphanet 64, MedGen C0268425, MONDO:0008763, OMIM 203800.

Allele frequency attached by ClinVar (database versions not stated): gnomAD 0.00001; gnomAD exomes 0.00002.
gnomAD v4.1: 35 of 1,613,312 alleles (0.0022%); highest among the groups gnomAD compares: Non-Finnish European, 0.0029%; no homozygotes.

Submission:

Labcorp Genetics (formerly Invitae), Labcorp
Classification: Uncertain significance for Alstrom syndrome. Last evaluated: 2022-08-09. Review status: criteria provided, single submitter. Criteria: Invitae Variant Classification Sherloc (09022015). Collection method: clinical testing. Allele origin: germline.
Comment: This sequence change replaces isoleucine, which is neutral and non-polar, with serine, which is neutral and polar, at codon 2075 of the ALMS1 protein (p.Ile2075Ser). This variant is present in population databases (no rsID available, gnomAD 0.002%). This variant has not been reported in the literature in individuals affected with ALMS1-related conditions. Experimental studies and prediction algorithms are not available or were not evaluated, and the functional significance of this variant is currently unknown. In summary, the available evidence is currently insufficient to determine the role of this variant in disease. Therefore, it has been classified as a Variant of Uncertain Significance.